The following is an entry in ClinVar:

NM_007327.4(GRIN1):c.2022C>T (p.Asn674=)

Gene: GRIN1 (glutamate ionotropic receptor NMDA type subunit 1; plus strand). Cytogenetic location: 9q34.3.
Variant type: single nucleotide variant.
Coding change: c.2022C>T on transcript NM_007327.4 (MANE Select); coding-DNA position 2022, C replaced by T.
Protein change: p.Asn674=; no amino-acid change (asparagine 674 retained).
Molecular consequence: synonymous variant.
Genome position (GRCh38, 1-based): chr9:137,162,854, C>T. VCF-style: chr9-137162854-C-T. GRCh37 (hg19) VCF-style: chr9-140057306-C-T.
Other names: c.2022C>T, p.Asn674= (NM_000832.7, NM_021569.4); c.2085C>T, p.Asn695= (NM_001185090.2, NM_001185091.2).
Identifiers: ClinVar variation 384643 (VCV000384643.3), dbSNP rs1057522019, ClinGen allele CA16605499.

ClinVar aggregate classification (germline): Likely benign. Review status: criteria provided, multiple submitters, no conflicts (2 of 4 stars). 2 submissions from 2 submitters: Likely benign (2). Last evaluated 2024-07-22.

Conditions:
Neurodevelopmental disorder with or without hyperkinetic movements and seizures, autosomal dominant. Also called: Intellectual disability, autosomal dominant 8. Identifiers: MedGen C3280282, MONDO:0013655, OMIM 614254.

Allele frequency attached by ClinVar (database versions not stated): gnomAD exomes below 0.00001.
gnomAD v4.1: 1 of 1,612,246 alleles (0.000062%); highest among the groups gnomAD compares: East Asian, 0.0022%; no homozygotes.

Submissions (2):

Labcorp Genetics (formerly Invitae), Labcorp
Classification: Likely benign for Neurodevelopmental disorder with or without hyperkinetic movements and seizures, autosomal dominant. Last evaluated: 2024-07-22. Review status: criteria provided, single submitter. Criteria: Invitae Variant Classification Sherloc (09022015). Collection method: clinical testing. Allele origin: germline.

GeneDx
Classification: Likely benign. Last evaluated: 2016-03-18. Review status: criteria provided, single submitter. Criteria: GeneDx Variant Classification (06012015). Collection method: clinical testing. Allele origin: germline. Affected: yes.
Comment: This variant is considered likely benign or benign based on one or more of the following criteria: it is a conservative change, it occurs at a poorly conserved position in the protein, it is predicted to be benign by multiple in silico algorithms, and/or has population frequency not consistent with disease.